The following is an entry in ClinVar:

NM_001035.3(RYR2):c.14732A>G (p.Gln4911Arg)

Gene: RYR2 (ryanodine receptor 2; plus strand). Cytogenetic location: 1q43.
Variant type: single nucleotide variant.
Coding change: c.14732A>G on transcript NM_001035.3 (MANE Select); coding-DNA position 14732, A replaced by G.
Protein change: p.Gln4911Arg; replaces glutamine 4911 with arginine.
Molecular consequence: missense variant.
Genome position (GRCh38, 1-based): chr1:237,830,606, A>G. VCF-style: chr1-237830606-A-G. GRCh37 (hg19) VCF-style: chr1-237993906-A-G.
Other names: short protein forms Q4911R.
Identifiers: ClinVar variation 1315820 (VCV001315820.2), dbSNP rs2102947539, ClinGen allele CA345409798.

ClinVar aggregate classification (germline): Uncertain significance (1 of 4 stars; one submission).

Submission:

GeneDx
Classification: Uncertain significance. Last evaluated: 2019-06-24. Review status: criteria provided, single submitter. Criteria: GeneDx Variant Classification Process June 2021. Collection method: clinical testing. Allele origin: germline. Affected: yes.
Comment: Has not been previously published as pathogenic or benign to our knowledge; Not observed in large population cohorts (Lek et al., 2016); In silico analysis, which includes protein predictors and evolutionary conservation, supports a deleterious effect; Is located in one of the three hot-spot regions of the RYR2 gene, where the majority of pathogenic missense variants occur (Medeiros-Domingo et al., 2009)